The following is an entry in ClinVar:

NM_000540.3(RYR1):c.3400G>A (p.Gly1134Ser)

Gene: RYR1 (ryanodine receptor 1; plus strand). Cytogenetic location: 19q13.2.
Variant type: single nucleotide variant.
Coding change: c.3400G>A on transcript NM_000540.3 (MANE Select); coding-DNA position 3400, G replaced by A.
Protein change: p.Gly1134Ser; replaces glycine 1134 with serine.
Molecular consequence: missense variant.
Genome position (GRCh38, 1-based): chr19:38,468,984, G>A. VCF-style: chr19-38468984-G-A. GRCh37 (hg19) VCF-style: chr19-38959624-G-A.
Other names: c.3400G>A, p.Gly1134Ser (NM_001042723.2); short protein forms G1134S.
Identifiers: ClinVar variation 2435557 (VCV002435557.5), dbSNP rs1352060951, ClinGen allele CA405638263.

ClinVar aggregate classification (germline): Uncertain significance. Review status: criteria provided, multiple submitters, no conflicts (2 of 4 stars). 3 submissions from 3 submitters: Uncertain significance (3). Last evaluated 2025-06-25.

Conditions:
Malignant hyperthermia, susceptibility to, 1 (MHS1). Also called: Anesthesia related hyperthermia; Malignant hyperpyrexia; Fulminating hyperpyrexia; Pharmacogenic myopathy; Malignant hyperthermia suceptibility 1; RYR1-Related Malignant Hyperthermia Susceptibility. Identifiers: Orphanet 423, MedGen C2930980, MONDO:0007783, OMIM 145600.
Inborn genetic diseases. Identifiers: MedGen C0950123, MeSH D030342.

Allele frequency attached by ClinVar (database versions not stated): gnomAD exomes below 0.00001.
gnomAD v4.1: 1 of 1,614,070 alleles (0.000062%); highest among the groups gnomAD compares: Admixed American, 0.0017%; no homozygotes.

Submissions (3):

Ambry Genetics
Classification: Uncertain significance for Inborn genetic diseases. Last evaluated: 2025-06-25. Review status: criteria provided, single submitter. Criteria: Ambry Variant Classification Scheme 2023. Collection method: clinical testing. Allele origin: germline.

All of Us Research Program, National Institutes of Health
Classification: Uncertain significance for Malignant hyperthermia, susceptibility to, 1. Last evaluated: 2024-06-11. Review status: criteria provided, single submitter. Criteria: ACMG Guidelines, 2015. Collection method: clinical testing. Allele origin: germline. Inheritance: Autosomal dominant inheritance. Observed: 2 variant alleles, 2 heterozygotes.
Comment: This study involves interpretation of variants in research participants for the purpose of population health screening. Participant phenotype was not available at the time of variant classification. Additional details can be found in publication PMID: 35346344, PMCID: PMC8962531

Revvity Omics, Revvity
Classification: Uncertain significance. Last evaluated: 2019-11-06. Review status: criteria provided, single submitter. Criteria: ACMG Guidelines, 2015. Collection method: clinical testing. Allele origin: germline.